The following is an entry in ClinVar:

ClinVar aggregate classification (germline): Uncertain significance (1 of 4 stars; one submission).

gnomAD v4.1: 2 of 1,612,316 alleles (0.00012%); highest among the groups gnomAD compares: African/African-American, 0.0027%; no homozygotes.

Submission:

GeneDx
Classification: Uncertain significance. Last evaluated: 2023-10-13. Review status: criteria provided, single submitter. Criteria: GeneDx Variant Classification Process June 2021. Collection method: clinical testing. Allele origin: germline. Affected: yes.
Comment: Not observed at significant frequency in large population cohorts (gnomAD); In silico analysis supports that this missense variant does not alter protein structure/function; Has not been previously published as pathogenic or benign to our knowledge

NM_006440.5(TXNRD2):c.794T>C (p.Ile265Thr)

Gene: TXNRD2 (thioredoxin reductase 2; minus strand). Cytogenetic location: 22q11.21.
Variant type: single nucleotide variant.
Coding change: c.794T>C on transcript NM_006440.5 (MANE Select); coding-DNA position 794, T replaced by C.
Protein change: p.Ile265Thr; replaces isoleucine 265 with threonine.
Molecular consequence: missense variant. On other transcripts: non-coding transcript variant (1).
Genome position (GRCh38, 1-based): chr22:19,895,562, A>G on the plus strand (T>C on the coding strand, the complement: TXNRD2 is on the minus strand). VCF-style: chr22-19895562-A-G. GRCh37 (hg19) VCF-style: chr22-19883085-A-G.
Other names: c.794T>C, p.Ile265Thr (NM_001282512.3); c.791T>C, p.Ile264Thr (NM_001352300.2); c.704T>C, p.Ile235Thr (NM_001352301.2); c.506T>C, p.Ile169Thr (NM_001352302.2); c.698T>C, p.Ile233Thr (NM_001352303.2); short protein forms I169T, I233T, I235T, I264T, I265T.
Identifiers: ClinVar variation 3365984 (VCV003365984.1).